The following is an entry in ClinVar:

NC_000007.13:g.(?_65541069)_(65557899_?)dup

Gene: ASL (argininosuccinate lyase; plus strand). Cytogenetic location: 7q11.21.
Variant type: Duplication.
Identifiers: ClinVar variation 2422198 (VCV002422198.3).

ClinVar aggregate classification (germline): Uncertain significance (1 of 4 stars; one submission).

Conditions:
Argininosuccinate lyase deficiency. Also called: ARGININOSUCCINIC ACID LYASE DEFICIENCY; ASL DEFICIENCY; Argininosuccinic aciduria. Identifiers: Orphanet 23, MedGen C0268547, MONDO:0008815, OMIM 207900, HP:0025630.

Submission:

Labcorp Genetics (formerly Invitae), Labcorp
Classification: Uncertain significance for Argininosuccinate lyase deficiency. Last evaluated: 2022-06-10. Review status: criteria provided, single submitter. Criteria: Invitae Variant Classification Sherloc (09022015). Collection method: clinical testing. Allele origin: germline.
Comment: A copy number gain of the genomic region encompassing the full coding sequence of the ASL gene has been identified. The boundaries of this event are unknown as they extend beyond the assayed region for this gene and therefore may encompass additional genes. As the precise location of this event is unknown, it may be in tandem or it may be located elsewhere in the genome. This variant has not been reported in the literature in individuals affected with ASL-related conditions. Experimental studies and prediction algorithms are not available or were not evaluated, and the functional significance of this variant is currently unknown. In summary, the available evidence is currently insufficient to determine the role of this variant in disease. Therefore, it has been classified as a Variant of Uncertain Significance.